The following is an entry in ClinVar:

ClinVar aggregate classification (germline): Uncertain significance. Review status: criteria provided, multiple submitters, no conflicts (2 of 4 stars). 2 submissions from 2 submitters: Uncertain significance (2). Last evaluated 2024-01-16.

Conditions:
Retinitis pigmentosa 12 (RP12). Also called: RP WITH OR WITHOUT PRESERVED PARAARTERIOLE RETINAL PIGMENT EPITHELIUM; RETINITIS PIGMENTOSA WITH OR WITHOUT PARAARTERIOLAR PRESERVATION OF RETINAL PIGMENT EPITHELIUM; RP WITH OR WITHOUT PPRPE. Identifiers: Orphanet 791, MedGen C1838647, MONDO:0010818, OMIM 600105.
Leber congenital amaurosis 8 (LCA8). Identifiers: Orphanet 65, MedGen C3151202, MONDO:0013453, OMIM 613835.

Allele frequency attached by ClinVar (database versions not stated): gnomAD 0.00005; TOPMed 0.00005; ESP Exome Variant Server 0.00015.
gnomAD v4.1: 19 of 1,613,802 alleles (0.0012%); highest among the groups gnomAD compares: Admixed American, 0.0083%; no homozygotes.

Submissions (2):

Blueprint Genetics
Classification: Uncertain significance. Last evaluated: 2024-01-16. Review status: criteria provided, single submitter. Criteria: ACMG Guidelines, 2015. Collection method: clinical testing. Allele origin: germline.

Labcorp Genetics (formerly Invitae), Labcorp
Classification: Uncertain significance for Leber congenital amaurosis 8; Retinitis pigmentosa 12. Last evaluated: 2022-03-19. Review status: criteria provided, single submitter. Criteria: Invitae Variant Classification Sherloc (09022015). Collection method: clinical testing. Allele origin: germline.
Comment: This sequence change replaces proline, which is neutral and non-polar, with leucine, which is neutral and non-polar, at codon 1060 of the CRB1 protein (p.Pro1060Leu). This variant is present in population databases (rs141758462, gnomAD 0.003%). This variant has not been reported in the literature in individuals affected with CRB1-related conditions. Advanced modeling of protein sequence and biophysical properties (such as structural, functional, and spatial information, amino acid conservation, physicochemical variation, residue mobility, and thermodynamic stability) performed at Invitae indicates that this missense variant is not expected to disrupt CRB1 protein function. In summary, the available evidence is currently insufficient to determine the role of this variant in disease. Therefore, it has been classified as a Variant of Uncertain Significance.

NM_201253.3(CRB1):c.3179C>T (p.Pro1060Leu)

Gene: CRB1 (crumbs cell polarity complex component 1; plus strand). Cytogenetic location: 1q31.3.
Variant type: single nucleotide variant.
Coding change: c.3179C>T on transcript NM_201253.3 (MANE Select); coding-DNA position 3179, C replaced by T.
Protein change: p.Pro1060Leu; replaces proline 1060 with leucine.
Molecular consequence: missense variant. On other transcripts: non-coding transcript variant (2), intron variant (1).
Genome position (GRCh38, 1-based): chr1:197,435,042, C>T. VCF-style: chr1-197435042-C-T. GRCh37 (hg19) VCF-style: chr1-197404172-C-T.
Other names: c.2843C>T, p.Pro948Leu (NM_001193640.2); c.3107C>T, p.Pro1036Leu (NM_001257965.2); c.2129-558C>T (NM_001257966.2); short protein forms P1036L, P948L, P1060L.
Identifiers: ClinVar variation 2137901 (VCV002137901.2), dbSNP rs141758462, ClinGen allele CA1312288.